The following is an entry in ClinVar:

NM_006904.7(PRKDC):c.6080C>A (p.Ser2027Tyr)

Gene: PRKDC (protein kinase, DNA-activated, catalytic subunit; minus strand). Cytogenetic location: 8q11.21.
Variant type: single nucleotide variant.
Coding change: c.6080C>A on transcript NM_006904.7 (MANE Select); coding-DNA position 6080, C replaced by A.
Protein change: p.Ser2027Tyr; replaces serine 2027 with tyrosine.
Molecular consequence: missense variant.
Genome position (GRCh38, 1-based): chr8:47,859,738, G>T on the plus strand (C>A on the coding strand, the complement: PRKDC is on the minus strand). VCF-style: chr8-47859738-G-T. GRCh37 (hg19) VCF-style: chr8-48772299-G-T.
Other names: c.6080C>A, p.Ser2027Tyr (NM_001081640.2); short protein forms S2027Y.
Identifiers: ClinVar variation 3310104 (VCV003310104.1).

ClinVar aggregate classification (germline): Uncertain significance (1 of 4 stars; one submission).

Submission:

Ambry Genetics
Classification: Uncertain significance. Last evaluated: 2024-04-01. Review status: criteria provided, single submitter. Criteria: Ambry Variant Classification Scheme 2023. Collection method: clinical testing. Allele origin: germline.
Comment: The p.S2027Y variant (also known as c.6080C>A), located in coding exon 46 of the PRKDC gene, results from a C to A substitution at nucleotide position 6080. The serine at codon 2027 is replaced by tyrosine, an amino acid with dissimilar properties. This amino acid position is conserved. Based on the available evidence, the clinical significance of this alteration remains unclear.